The following is an entry in ClinVar:

NM_000092.5(COL4A4):c.4333G>A (p.Gly1445Arg)

Gene: COL4A4 (collagen type IV alpha 4 chain; minus strand). Cytogenetic location: 2q36.3.
Variant type: single nucleotide variant.
Coding change: c.4333G>A on transcript NM_000092.5 (MANE Select); coding-DNA position 4333, G replaced by A.
Protein change: p.Gly1445Arg; replaces glycine 1445 with arginine.
Molecular consequence: missense variant.
Genome position (GRCh38, 1-based): chr2:227,012,181, C>T on the plus strand (G>A on the coding strand, the complement: COL4A4 is on the minus strand). VCF-style: chr2-227012181-C-T. GRCh37 (hg19) VCF-style: chr2-227876897-C-T.
Other names: p.(Gly1445Arg); short protein forms G1445R.
Identifiers: ClinVar variation 4884702 (VCV004884702.1).

ClinVar aggregate classification (germline): Pathogenic (1 of 4 stars; one submission).

Conditions:
Autosomal dominant Alport syndrome (ATS3A). Also called: Alport syndrome dominant type; Renal failure and sensorineural hearing loss; ALPORT SYNDROME 3A, AUTOSOMAL DOMINANT. Identifiers: Orphanet 63, Orphanet 88918, MedGen C5882663, MONDO:0007086, OMIM 104200.

Submission:

Centre de Génétique Humaine, Institut de Pathologie Et de Génétique
Classification: Pathogenic for Autosomal dominant Alport syndrome. Last evaluated: 2026-05-14. Review status: criteria provided, single submitter. Criteria: ACMG Guidelines, 2015. Collection method: clinical testing. Allele origin: germline. Inheritance: Autosomal dominant inheritance. Affected: yes. Observed: 1 variant allele, 1 heterozygote. Segregation with disease not observed.
Comment: This missense variant involves a highly conserved glycine located in a ‘Gly-X-Y’ motif in collagenous region, which is characteristic of the pathogenic variants identified in the COL4A4 gene (PM1,PP2). Same amino acid change described as LP in ClinVar caused by a different nuclleotide change: c.4333G>C (p.Gly1445Arg), SCV00710817, (PS1). This variant is rare: absent in gnomAD v4.1.0 database (PM2). Last nucleotide of exon 45, in silico prediction of donor site loss and deleterious effect as missense variant (PP3). Described disease causing ADAS (PP5)

Literature cited by the submitters: PubMed 30076350.